The following is an entry in ClinVar:

NM_000018.4(ACADVL):c.1838G>A (p.Arg613Gln)

Gene: ACADVL (acyl-CoA dehydrogenase very long chain; plus strand). Cytogenetic location: 17p13.1.
Variant type: single nucleotide variant.
Coding change: c.1838G>A on transcript NM_000018.4 (MANE Select); coding-DNA position 1838, G replaced by A.
Protein change: p.Arg613Gln; replaces arginine 613 with glutamine.
Molecular consequence: missense variant.
Genome position (GRCh38, 1-based): chr17:7,224,967, G>A. VCF-style: chr17-7224967-G-A. GRCh37 (hg19) VCF-style: chr17-7128286-G-A.
Other names: NM_000018.4(ACADVL):c.1838G>A; p.Arg613Gln; c.1772G>A, p.Arg591Gln (NM_001033859.3); c.1907G>A, p.Arg636Gln (NM_001270447.2); c.1610G>A, p.Arg537Gln (NM_001270448.2); short protein forms R537Q, R613Q, R591Q, R636Q.
Identifiers: ClinVar variation 618502 (VCV000618502.31), dbSNP rs534647044, ClinGen allele CA8338295.

ClinVar aggregate classification (germline): Uncertain significance. Review status: reviewed by expert panel (3 of 4 stars). 10 submissions from 10 submitters: Uncertain significance (1). 9 of the submissions do not count toward it. Last evaluated 2025-06-10.

Conditions:
Very long chain acyl-CoA dehydrogenase deficiency (ACADVLD). Also called: VLCAD Deficiency; Very Long-Chain Acyl-Coenzyme A Dehydrogenase Deficiency. Identifiers: Orphanet 26793, MedGen C3887523, MONDO:0008723, OMIM 201475.

Allele frequency attached by ClinVar (database versions not stated): gnomAD exomes 0.00001; TOPMed 0.00001; ExAC 0.00002; gnomAD 0.00003; 1000 Genomes Project 30x 0.00016; 1000 Genomes Project 0.00020.
gnomAD v4.1: 19 of 1,614,070 alleles (0.0012%); highest among the groups gnomAD compares: Admixed American, 0.0067%; no homozygotes.

Submissions (10):

ClinGen ACADVL Variant Curation Expert Panel, ClinGen
Classification: Uncertain significance for Very long chain acyl-CoA dehydrogenase deficiency. Last evaluated: 2025-06-10. Review status: reviewed by expert panel. Criteria: clingen acadvl acmg specifications v1. Collection method: curation. Allele origin: germline. Inheritance: Autosomal recessive inheritance.
Comment: The NM_000018.4 c.1838G>A p.(Arg613Gln) in ACADVL is a missense variant predicted to cause substitution of arginine by glutamine at amino acid 613. The highest population minor allele frequency in gnomAD v4.1 is 0.00008017 in African/African American population, which is lower than the ClinGen ACADVL Variant Curation Expert Panel threshold (<0.001) for PM2_Supporting, meeting this criterion (PM2_Supporting). The computational predictor REVEL gives a score of 0.526 which is neither above nor below the thresholds predicting a damaging or benign impact on ACADVL function. This variant does not reside within a region of ACADVL that is defined as a mutational hotspot or critical functional domain by the ClinGen ACADVL Variant Curation Expert Panel. A different aminoacid change at the same position (p.Arg613Trp) has been classified by the ACADVL VCEP group as likely pathogenic (ClinVar ID: 1623) (PM5_Supporting). At least two patients with this variant displayed enzyme levels and/or NBS results, which is highly specific for very long chain acyl-CoA dehydrogenase (VLCAD) deficiency (PP4_Moderate, PMIDs:32710939, 30194637). In these reported patients, the variant was reported to occur in individuals who also carried a distinct ACADVL variant not confirmed in trans; however, since none of these variants reached likely pathogenic classification, the ACADVL VCEP could not count these toward PM3 evidence (PMID: 32710939, 30194637). In summary, this variant meets the criteria to be classified as variant of uncertain significance for autosomal recessive very long chain acyl-CoA dehydrogenase (VLCAD) deficiency based on the ACMG/AMP criteria applied, as specified by the ClinGen ACADVL Variant Curation Expert Panel: PM2_Supporting, PM5_Supporting, PP4_Moderate (ACADVL VCEP specifications version 2; approved May 1, 2025).

Natera, Inc.
Classification: Likely pathogenic for Very long chain acyl-CoA dehydrogenase deficiency. Last evaluated: 2026-01-16. Review status: criteria provided, single submitter. Criteria: Natera Variant Classification Schema (03/2026). Collection method: clinical testing. Allele origin: germline. Not counted in ClinVar's aggregate classification.
Comment: The c.1838G>A variant in ACADVL is a missense variant predicted to cause substitution of arginine to glutamine at amino acid 613. This variant is rare in the general population with a frequency below the threshold expected for the associated phenotype(s). This variant has been observed in one or more individuals affected with the associated recessive disease, as either homozygous or compound heterozygous with a second variant (PMID: 35281659, 33610471, 30194637). A different variant at the same position has been determined to be Pathogenic or Likely Pathogenic. Computational prediction algorithms indicate this variant is likely to affect gene or protein function. Given the available evidence, this variant is classified as Likely Pathogenic.

Mayo Clinic Laboratories, Mayo Clinic
Classification: Likely pathogenic. Last evaluated: 2025-11-13. Review status: criteria provided, single submitter. Criteria: ACMG Guidelines, 2015. Collection method: clinical testing. Allele origin: germline. Observed: 2 variant alleles. Not counted in ClinVar's aggregate classification.
Comment: PP4_moderate, PM2_supporting, PM3_supporting, PM5_supporting

Labcorp Genetics (formerly Invitae), Labcorp
Classification: Pathogenic for Very long chain acyl-CoA dehydrogenase deficiency. Last evaluated: 2025-10-23. Review status: criteria provided, single submitter. Criteria: Invitae Variant Classification Sherloc (09022015). Collection method: clinical testing. Allele origin: germline. Not counted in ClinVar's aggregate classification.
Comment: This sequence change replaces arginine, which is basic and polar, with glutamine, which is neutral and polar, at codon 613 of the ACADVL protein (p.Arg613Gln). This variant is present in population databases (rs534647044, gnomAD 0.008%). This missense change has been observed in individual(s) with very long-chain acyl-CoA dehydrogenase deficiency (PMID: 30194637, 32710939). ClinVar contains an entry for this variant (Variation ID: 618502). Invitae Evidence Modeling of protein sequence and biophysical properties (such as structural, functional, and spatial information, amino acid conservation, physicochemical variation, residue mobility, and thermodynamic stability) indicates that this missense variant is not expected to disrupt ACADVL protein function with a negative predictive value of 80%. This variant disrupts the p.Arg613 amino acid residue in ACADVL. Other variant(s) that disrupt this residue have been determined to be pathogenic (PMID: 17999356, 18670371, 23430950, 26881790, 28755359). This suggests that this residue is clinically significant, and that variants that disrupt this residue are likely to be disease-causing. For these reasons, this variant has been classified as Pathogenic.

Fulgent Genetics
Classification: Likely pathogenic for Very long chain acyl-CoA dehydrogenase deficiency. Last evaluated: 2024-01-20. Review status: criteria provided, single submitter. Criteria: ACMG Guidelines, 2015. Collection method: clinical testing. Allele origin: germline. Not counted in ClinVar's aggregate classification.

Baylor Genetics
Classification: Likely pathogenic for Very long chain acyl-CoA dehydrogenase deficiency. Last evaluated: 2023-12-14. Review status: criteria provided, single submitter. Criteria: ACMG Guidelines, 2015. Collection method: clinical testing. Allele origin: unknown. Not counted in ClinVar's aggregate classification.

Women's Health and Genetics/Laboratory Corporation of America, LabCorp
Classification: Pathogenic for Very long chain acyl-CoA dehydrogenase deficiency. Last evaluated: 2022-01-21. Review status: criteria provided, single submitter. Criteria: LabCorp Variant Classification Summary - May 2015. Collection method: clinical testing. Allele origin: germline. Not counted in ClinVar's aggregate classification.
Comment: Variant summary: ACADVL c.1838G>A (p.Arg613Gln) results in a conservative amino acid change in the encoded protein sequence. Three of five in-silico tools predict a damaging effect of the variant on protein function. The variant allele was found at a frequency of 1.2e-05 in 251108 control chromosomes. c.1838G>A has been reported in the literature in individuals affected with Very Long Chain Acyl-CoA Dehydrogenase Deficiency (Olpin_2017, Miller_2015, Hesse_2018, Lin_2020, Guffon_2021, Olsson_2021). These data indicate that the variant is likely to be associated with disease. Enzyme activity of compound heterozygous patients cells were measured at <20% of wild-type (Olpin_2017, Olsson_2021). Additionally, a different variant affecting the same amino acid has been reported in association with VLCAD (R613W). Four clinical diagnostic laboratories have submitted clinical-significance assessments for this variant to ClinVar after 2014 without evidence for independent evaluation. Three classified as likely pathogenic while one classified as VUS. Based on the evidence outlined above, the variant was classified as pathogenic.

Revvity Omics, Revvity
Classification: Likely pathogenic for Very long chain acyl-CoA dehydrogenase deficiency. Last evaluated: 2021-05-25. Review status: criteria provided, single submitter. Criteria: ACMG Guidelines, 2015. Collection method: clinical testing. Allele origin: germline. Not counted in ClinVar's aggregate classification.

ARUP Laboratories, Molecular Genetics and Genomics, ARUP Laboratories
Classification: Likely pathogenic. Last evaluated: 2017-10-27. Review status: criteria provided, single submitter. Criteria: ARUP Molecular Germline Variant Investigation Process. Collection method: clinical testing. Allele origin: germline. Not counted in ClinVar's aggregate classification.
Comment: The ACADVL c.1838G>A; p.Arg613Gln variant is reported in the medical literature in an individual with very-long chain acyl-coenzyme A dehydrogenase (VLCAD) deficiency (Olpin 2017). Additionally, another variant in the same codon, p.Arg613Trp, is reported in individuals with VLCAD deficiency (Gobin-Limballe 2007, Laforet 2009, Souri 1996, Strauss 1996). The p.Arg613Gln variant is not reported in the ClinVar database, but is listed in the dbSNP variant database (rs534647044) and the Genome Aggregation Database in 5/276924 alleles. The arginine at this position is well conserved across species, is located in a functional domain, and is hypothesized to be involved in dimerization of the protein (Goetzman 2007). Considering available information, this variant is classified as likely pathogenic. References: Gobin-Limballe S et al. Genetic basis for correction of very-long-chain acyl-coenzyme A dehydrogenase deficiency by bezafibrate in patient fibroblasts: toward a genotype-based therapy. Am J Hum Genet. 2007 81(6):1133-43. Goetzman ES et al. Expression and characterization of mutations in human very long-chain acyl-CoA dehydrogenase using a prokaryotic system. Mol Genet Metab. 2007 91(2):138-47. Olpin SE et al. Fibroblast Fatty-Acid Oxidation Flux Assays Stratify Risk in Newborns with Presumptive-Positive Results on Screening for Very-Long Chain Acyl-CoA Dehydrogenase Deficiency. Int J Neonat Screen. 2017 3(1), 2. Laforet P et al. Diagnostic assessment and long-term follow-up of 13 patients with Very Long-Chain Acyl-Coenzyme A dehydrogenase (VLCAD) deficiency. 2009 Neuromuscul Disord. 19(5):324-9. Souri M et al. Mutation analysis of very-long-chain acyl-coenzyme A dehydrogenase (VLCAD) deficiency: identification and characterization of mutant VLCAD cDNAs from four patients. Am J Hum Genet. 1996 58(1):97-106. Strauss AW et al. Molecular basis of human mitochondrial very-long-chain acyl-CoA dehydrogenase deficiency causing cardiomyopathy and sudden death in childhood. Proc Natl Acad Sci U S A. 1995 92(23):10496-500.

Wong Mito Lab, Molecular and Human Genetics, Baylor College of Medicine
Classification: Uncertain significance for Very long chain acyl-CoA dehydrogenase deficiency. Last evaluated: 2019-11-01. Review status: flagged submission. Criteria: ACMG Guidelines, 2015. Collection method: clinical testing. Allele origin: germline. Not counted in ClinVar's aggregate classification.
Comment: The NM_000018.3:c.1838G>A (NP_000009.1:p.Arg613Gln) [GRCH38: NC_000017.11:g.7224967G>A] variant in ACADVL gene is interpretated to be Uncertain Significance based on ACMG guidelines (PMID: 25741868). This variant has been reported. This variant meets the following evidence codes reported in the ACMG guidelines: BP4
ClinVar note: Reason: Outlier claim with insufficient supporting evidence

Literature cited by the submitters: PubMed 35281659 (cited by Natera, Inc. and Mayo Clinic Laboratories, Mayo Clinic); PubMed 33610471 (cited by Natera, Inc. and Women's Health and Genetics/Laboratory Corporation of America, LabCorp); PubMed 30194637 (cited by 4 submitters); PubMed 32710939 (cited by 3 submitters); PubMed 2409 (cited by Labcorp Genetics (formerly Invitae), Labcorp); PubMed 515 (cited by Labcorp Genetics (formerly Invitae), Labcorp); PubMed 3 (cited by Labcorp Genetics (formerly Invitae), Labcorp); PubMed 1 (cited by Labcorp Genetics (formerly Invitae), Labcorp); PubMed 2 (cited by Labcorp Genetics (formerly Invitae), Labcorp); PubMed 17999356 (cited by Labcorp Genetics (formerly Invitae), Labcorp); PubMed 18670371 (cited by Labcorp Genetics (formerly Invitae), Labcorp); PubMed 23430950 (cited by Labcorp Genetics (formerly Invitae), Labcorp); PubMed 26881790 (cited by Labcorp Genetics (formerly Invitae), Labcorp); PubMed 28755359 (cited by Labcorp Genetics (formerly Invitae), Labcorp); PubMed 26385305 (cited by Women's Health and Genetics/Laboratory Corporation of America, LabCorp).